The following is an entry in ClinVar:

NM_000533.5(PLP1):c.689C>G (p.Thr230Arg)

Genes: PLP1 (proteolipid protein 1; plus strand), RAB9B (RAB9B, member RAS oncogene family; minus strand). Cytogenetic location: Xq22.2.
Variant type: single nucleotide variant.
Coding change: c.689C>G on transcript NM_000533.5 (MANE Select); coding-DNA position 689, C replaced by G.
Protein change: p.Thr230Arg; replaces threonine 230 with arginine.
Molecular consequence: missense variant.
Genome position (GRCh38, 1-based): chrX:103,788,503, C>G. VCF-style: chrX-103788503-C-G. GRCh37 (hg19) VCF-style: chrX-103043432-C-G.
Other names: c.689C>G, p.Thr230Arg (NM_001128834.3); c.524C>G, p.Thr175Arg (NM_001305004.1); c.584C>G, p.Thr195Arg (NM_199478.3); short protein forms T230R, T195R, T175R.
Identifiers: ClinVar variation 464806 (VCV000464806.1), dbSNP rs1556270495, ClinGen allele CA414104431.

ClinVar aggregate classification (germline): Uncertain significance (1 of 4 stars; one submission).

Conditions:
Hereditary spastic paraplegia 2 (SPG2). Also called: SPASTIC PARAPLEGIA 2, X-LINKED; Spastic Paraplegia 2 (SPG2). Identifiers: Orphanet 99015, MedGen C0751604, MONDO:0010733, OMIM 312920.

Submission:

Labcorp Genetics (formerly Invitae), Labcorp
Classification: Uncertain significance for Hereditary spastic paraplegia 2. Last evaluated: 2017-12-01. Review status: criteria provided, single submitter. Criteria: Invitae Variant Classification Sherloc (09022015). Collection method: clinical testing. Allele origin: germline.
Comment: This sequence change replaces threonine with arginine at codon 230 of the PLP1 protein (p.Thr230Arg). The threonine residue is highly conserved and there is a moderate physicochemical difference between threonine and arginine. This variant is not present in population databases (ExAC no frequency) and has not been reported in the literature in individuals with a PLP1-related disease. Algorithms developed to predict the effect of missense changes on protein structure and function do not agree on the potential impact of this missense change (SIFT: "Deleterious"; PolyPhen-2: "Possibly Damaging"; Align-GVGD: "Class C15"). Algorithms developed to predict the effect of sequence changes on RNA splicing suggest that this variant may alter RNA splicing, but this prediction has not been confirmed by published transcriptional studies. A different missense substitution at this codon (p.Thr230Ile) has been reported in an affected individual, but the clinical significance of this observation is not known (PMID: 21679407). In summary, this variant is a novel missense change with uncertain impact on protein function. It has been classified as a Variant of Uncertain Significance.

Literature cited by the submitters: PubMed 21679407.